The following is an entry in ClinVar:

NM_002968.3(SALL1):c.477_478insAGCGGC (p.Ser159_Gly160insSerGly)

Gene: SALL1 (spalt like transcription factor 1; minus strand). Cytogenetic location: 16q12.1.
Variant type: Insertion.
Coding change: c.477_478insAGCGGC on transcript NM_002968.3 (MANE Select); coding-DNA positions 477 to 478, AGCGGC inserted.
Protein change: p.Ser159_Gly160insSerGly.
Molecular consequence: inframe insertion.
Genome position: GRCh38 VCF-style: chr16-51141744-C-CGCCGCT. GRCh37 (hg19) VCF-style: chr16-51175655-C-CGCCGCT.
Other names: c.186_187insAGCGGC, p.Ser62_Gly63insSerGly (NM_001127892.2).
Identifiers: ClinVar variation 282759 (VCV000282759.44), dbSNP rs1555475415, ClinGen allele CA10604286.

ClinVar aggregate classification (germline): Benign/Likely benign. Review status: criteria provided, multiple submitters, no conflicts (2 of 4 stars). 7 submissions from 7 submitters: Benign (2); Likely benign (3). 2 of the submissions do not count toward it. Last evaluated 2025-10-01.

Conditions:
Townes syndrome (TBS). Also called: Townes-Brocks syndrome. Identifiers: Orphanet 857, MedGen C0265246, MeSH C536974, MONDO:0007142.

Submissions (7):

CeGaT Center for Human Genetics Tuebingen
Classification: Likely benign. Last evaluated: 2025-10-01. Review status: criteria provided, single submitter. Criteria: CeGaT Center For Human Genetics Tuebingen Variant Classification Criteria Version 2. Collection method: clinical testing. Allele origin: germline. Affected: yes. Observed: 2 variant alleles.
Comment: SALL1: BS2

Labcorp Genetics (formerly Invitae), Labcorp
Classification: Likely benign for Townes syndrome. Last evaluated: 2025-06-12. Review status: criteria provided, single submitter. Criteria: Invitae Variant Classification Sherloc (09022015). Collection method: clinical testing. Allele origin: germline.

Blueprint Genetics
Classification: Benign. Last evaluated: 2023-11-13. Review status: criteria provided, single submitter. Criteria: ACMG Guidelines, 2015. Collection method: clinical testing. Allele origin: germline.

GeneDx
Classification: Benign. Last evaluated: 2021-05-03. Review status: criteria provided, single submitter. Criteria: GeneDx Variant Classification Process June 2021. Collection method: clinical testing. Allele origin: germline. Affected: yes.
Comment: Has not been previously published as pathogenic or benign to our knowledge

Eurofins Ntd Llc (ga)
Classification: Likely benign. Last evaluated: 2018-06-02. Review status: criteria provided, single submitter. Criteria: EGL ClinVar v180209 classification definitions. Collection method: clinical testing. Allele origin: germline. Observed: 2 variant alleles, 2 heterozygotes.

Diagnostic Laboratory, Department of Genetics, University Medical Center Groningen
Classification: Likely benign. Review status: no assertion criteria provided. Collection method: clinical testing. Allele origin: germline. Affected: yes. Study: VKGL Data-share Consensus. Not counted in ClinVar's aggregate classification.

Laboratory of Diagnostic Genome Analysis, Leiden University Medical Center (LUMC)
Classification: Likely benign. Review status: no assertion criteria provided. Collection method: clinical testing. Allele origin: germline. Affected: yes. Study: VKGL Data-share Consensus. Not counted in ClinVar's aggregate classification.